The following is an entry in ClinVar:

NM_177438.3(DICER1):c.3399A>C (p.Ala1133=)

Gene: DICER1 (dicer 1, ribonuclease III; minus strand). Cytogenetic location: 14q32.13.
Variant type: single nucleotide variant.
Coding change: c.3399A>C on transcript NM_177438.3 (MANE Select); coding-DNA position 3399, A replaced by C.
Protein change: p.Ala1133=; no amino-acid change (alanine 1133 retained).
Molecular consequence: synonymous variant.
Genome position (GRCh38, 1-based): chr14:95,103,997, T>G on the plus strand (A>C on the coding strand, the complement: DICER1 is on the minus strand). VCF-style: chr14-95103997-T-G. GRCh37 (hg19) VCF-style: chr14-95570334-T-G.
Other names: c.3399A>C, p.Ala1133= (NM_001195573.1, NM_001271282.3, NM_001291628.2 and 1 more transcripts).
Identifiers: ClinVar variation 1106416 (VCV001106416.11), dbSNP rs1595367311, ClinGen allele CA487844603.
Genomic context (GRCh38, chr14:95,103,997, plus strand): 5'-GCAGTTCACAGACATTTGGTCATGATTTTCTAGAGAGGAGGTTCTATTAGCACCTTGATG[T>G]GCAGCATTTTCAGGGACAATTGTGCTGTGCTTACAGTAATTATCATTTTCAGCTGAAGAG-3'
Protein context (NP_803187.1, residues 1123-1143): KHSTIVPENA[Ala1133=]HQGANRTSSL

ClinVar aggregate classification (germline): Benign/Likely benign. Review status: criteria provided, multiple submitters, no conflicts (2 of 4 stars). 2 submissions from 2 submitters: Benign (1); Likely benign (1). Last evaluated 2026-04-17.

Conditions:
DICER1-related tumor predisposition. Also called: DICER1 syndrome; DICER1-related pleuropulmonary blastoma cancer predisposition syndrome. Identifiers: Orphanet 284343, MedGen C3839822, MONDO:0100216.

Allele frequency attached by ClinVar (database versions not stated): gnomAD exomes below 0.00001.
gnomAD v4.1: 1 of 1,614,200 alleles (0.000062%); highest among the groups gnomAD compares: Non-Finnish European, 0.000085%; no homozygotes.

Submissions (2):

Myriad Genetics, Inc.
Classification: Benign for DICER1-related tumor predisposition. Last evaluated: 2026-04-17. Review status: criteria provided, single submitter. Criteria: Myriad Autosomal Dominant, Autosomal Recessive and X-Linked Classification Criteria (2023). Collection method: clinical testing. Allele origin: unknown.
Comment: This variant is considered benign. This variant is a silent/synonymous amino acid change and it is not expected to impact splicing.

Labcorp Genetics (formerly Invitae), Labcorp
Classification: Likely benign for DICER1-related tumor predisposition. Last evaluated: 2019-09-06. Review status: criteria provided, single submitter. Criteria: Invitae Variant Classification Sherloc (09022015). Collection method: clinical testing. Allele origin: germline.